The following is an entry in ClinVar:

NM_033026.6(PCLO):c.6029T>C (p.Leu2010Pro)

Gene: PCLO (piccolo presynaptic cytomatrix protein; minus strand). Cytogenetic location: 7q21.11.
Variant type: single nucleotide variant.
Coding change: c.6029T>C on transcript NM_033026.6 (MANE Select); coding-DNA position 6029, T replaced by C.
Protein change: p.Leu2010Pro; replaces leucine 2010 with proline.
Molecular consequence: missense variant.
Genome position (GRCh38, 1-based): chr7:82,954,924, A>G on the plus strand (T>C on the coding strand, the complement: PCLO is on the minus strand). VCF-style: chr7-82954924-A-G. GRCh37 (hg19) VCF-style: chr7-82584240-A-G.
Other names: c.6029T>C, p.Leu2010Pro (NM_014510.3); short protein forms L2010P.
Identifiers: ClinVar variation 2128141 (VCV002128141.4), dbSNP rs202174545, ClinGen allele CA161147873.

ClinVar aggregate classification (germline): Uncertain significance (1 of 4 stars; one submission).

Allele frequency attached by ClinVar (database versions not stated): gnomAD exomes below 0.00001.
gnomAD v4.1: 6 of 1,613,534 alleles (0.00037%); highest among the groups gnomAD compares: Non-Finnish European, 0.00051%; no homozygotes.

Submission:

Labcorp Genetics (formerly Invitae), Labcorp
Classification: Uncertain significance. Last evaluated: 2022-04-19. Review status: criteria provided, single submitter. Criteria: Invitae Variant Classification Sherloc (09022015). Collection method: clinical testing. Allele origin: germline.
Comment: In summary, the available evidence is currently insufficient to determine the role of this variant in disease. Therefore, it has been classified as a Variant of Uncertain Significance. Algorithms developed to predict the effect of missense changes on protein structure and function are either unavailable or do not agree on the potential impact of this missense change (SIFT: "Deleterious"; PolyPhen-2: "Not Available"; Align-GVGD: "Class C0"). This variant has not been reported in the literature in individuals affected with PCLO-related conditions. This variant is present in population databases (rs202174545, gnomAD 0.0009%). This sequence change replaces leucine, which is neutral and non-polar, with proline, which is neutral and non-polar, at codon 2010 of the PCLO protein (p.Leu2010Pro).